The following is an entry in ClinVar:

ClinVar aggregate classification (germline): Uncertain significance (1 of 4 stars; one submission).

Submission:

Labcorp Genetics (formerly Invitae), Labcorp
Classification: Uncertain significance. Last evaluated: 2024-11-26. Review status: criteria provided, single submitter. Criteria: Invitae Variant Classification Sherloc (09022015). Collection method: clinical testing. Allele origin: germline.
Comment: This sequence change falls in intron 8 of the LZTR1 gene. It does not directly change the encoded amino acid sequence of the LZTR1 protein. Information on the frequency of this variant in the gnomAD database is not available, as this variant may be reported differently in the database. This variant has not been reported in the literature in individuals affected with LZTR1-related conditions. ClinVar contains an entry for this variant (Variation ID: 2723054). Experimental studies and prediction algorithms are not available or were not evaluated, and the effect of this variant on mRNA splicing is currently unknown. In summary, the available evidence is currently insufficient to determine the role of this variant in disease. Therefore, it has been classified as a Variant of Uncertain Significance.

NM_006767.4(LZTR1):c.791+9_791+10delinsCT

Gene: LZTR1 (leucine zipper like post translational regulator 1; plus strand). Cytogenetic location: 22q11.21.
Variant type: Indel.
Coding change: c.791+9_791+10delinsCT on transcript NM_006767.4 (MANE Select); bases 9 to 10 of the intron after coding-DNA position 791, TC replaced by CT.
Molecular consequence: intron variant.
Genome position (GRCh38, 1-based): chr22:20,990,534-20,990,535, TC replaced by CT. VCF-style: chr22-20990534-TC-CT. GRCh37 (hg19) VCF-style: chr22-21344823-TC-CT.
Identifiers: ClinVar variation 2723054 (VCV002723054.3), dbSNP rs2518615958, ClinGen allele CA2697547671.